The following is an entry in ClinVar:

ClinVar aggregate classification (germline): Uncertain significance (1 of 4 stars; one submission).

Conditions:
Combined immunodeficiency due to STIM1 deficiency. Also called: STIM1 DEFICIENCY; IMMUNODEFICIENCY 10. Identifiers: Orphanet 169090, Orphanet 317430, MedGen C2748557, MONDO:0013008, OMIM 612783.
Myopathy with tubular aggregates (TAM). Also called: Tubular Aggregate Myopathy. Identifiers: Orphanet 2593, MedGen C0410207, MONDO:0008051.
Stormorken syndrome (STRMK). Also called: THROMBOCYTOPATHY, ASPLENIA, AND MIOSIS. Identifiers: Orphanet 3204, MedGen C1861451, MONDO:0008497, OMIM 185070.

Submission:

Labcorp Genetics (formerly Invitae), Labcorp
Classification: Uncertain significance for Myopathy with tubular aggregates; Combined immunodeficiency due to STIM1 deficiency; Stormorken syndrome. Last evaluated: 2025-06-01. Review status: criteria provided, single submitter. Criteria: Invitae Variant Classification Sherloc (09022015). Collection method: clinical testing. Allele origin: germline.
Comment: This sequence change replaces aspartic acid, which is acidic and polar, with alanine, which is neutral and non-polar, at codon 288 of the STIM1 protein (p.Asp288Ala). This variant is not present in population databases (gnomAD no frequency). This variant has not been reported in the literature in individuals affected with STIM1-related conditions. ClinVar contains an entry for this variant (Variation ID: 1435792). Invitae Evidence Modeling of protein sequence and biophysical properties (such as structural, functional, and spatial information, amino acid conservation, physicochemical variation, residue mobility, and thermodynamic stability) has been performed for this missense variant. However, the output from this modeling did not meet the statistical confidence thresholds required to predict the impact of this variant on STIM1 protein function. In summary, the available evidence is currently insufficient to determine the role of this variant in disease. Therefore, it has been classified as a Variant of Uncertain Significance.

NM_001382567.1(STIM1):c.863A>C (p.Asp288Ala)

Gene: STIM1 (stromal interaction molecule 1; plus strand). Cytogenetic location: 11p15.4.
Variant type: single nucleotide variant.
Coding change: c.863A>C on transcript NM_001382567.1 (MANE Select); coding-DNA position 863, A replaced by C.
Protein change: p.Asp288Ala; replaces aspartic acid 288 with alanine.
Molecular consequence: missense variant.
Genome position (GRCh38, 1-based): chr11:4,074,573, A>C. VCF-style: chr11-4074573-A-C. GRCh37 (hg19) VCF-style: chr11-4095803-A-C.
Other names: c.863A>C, p.Asp288Ala (NM_001277961.3, NM_001277962.2, NM_001382568.1 and 2 more transcripts); c.641A>C, p.Asp214Ala (NM_001382566.1, NM_001382573.1, NM_001382574.1 and 5 more transcripts); c.728A>C, p.Asp243Ala (NM_001382569.1); c.635A>C, p.Asp212Ala (NM_001382570.1); c.383A>C, p.Asp128Ala (NM_001382571.1); c.374A>C, p.Asp125Ala (NM_001382580.1, NM_001382581.1); short protein forms D125A, D243A, D212A, D128A, D214A, D288A.
Identifiers: ClinVar variation 1435792 (VCV001435792.10), dbSNP rs900508637, ClinGen allele CA216526501.